The following is an entry in ClinVar:

NM_018389.5(SLC35C1):c.307G>T (p.Asp103Tyr)

Gene: SLC35C1 (solute carrier family 35 member C1; plus strand). Cytogenetic location: 11p11.2.
Variant type: single nucleotide variant.
Coding change: c.307G>T on transcript NM_018389.5 (MANE Select); coding-DNA position 307, G replaced by T.
Protein change: p.Asp103Tyr; replaces aspartic acid 103 with tyrosine.
Molecular consequence: missense variant.
Genome position (GRCh38, 1-based): chr11:45,806,108, G>T. VCF-style: chr11-45806108-G-T. GRCh37 (hg19) VCF-style: chr11-45827659-G-T.
Other names: c.268G>T, p.Asp90Tyr (NM_001145265.2, NM_001145266.2); short protein forms D103Y, D90Y.
Identifiers: ClinVar variation 971213 (VCV000971213.4), dbSNP rs760741388, ClinGen allele CA5958216.

ClinVar aggregate classification (germline): Uncertain significance (1 of 4 stars; one submission).

Conditions:
Leukocyte adhesion deficiency type II. Also called: CDG IIc; Congenital disorder of glycosylation type 2C; CDG 2C; Leukocyte adhesion deficiency type 2; Rambam Hasharon syndrome; CONGENITAL DISORDER OF GLYCOSYLATION, TYPE IIc. Identifiers: Orphanet 2968, Orphanet 99843, MedGen C0398739, MONDO:0009953, OMIM 266265.

Allele frequency attached by ClinVar (database versions not stated): ExAC 0.00001; gnomAD 0.00001; gnomAD exomes 0.00001.
gnomAD v4.1: 5 of 1,610,010 alleles (0.00031%); highest among the groups gnomAD compares: Admixed American, 0.0033%; no homozygotes.

Submission:

Labcorp Genetics (formerly Invitae), Labcorp
Classification: Uncertain significance for Leukocyte adhesion deficiency type II. Last evaluated: 2021-08-31. Review status: criteria provided, single submitter. Criteria: Invitae Variant Classification Sherloc (09022015). Collection method: clinical testing. Allele origin: germline.
Comment: This sequence change replaces aspartic acid with tyrosine at codon 103 of the SLC35C1 protein (p.Asp103Tyr). The aspartic acid residue is moderately conserved and there is a large physicochemical difference between aspartic acid and tyrosine. This variant is present in population databases (rs760741388, ExAC 0.002%). This variant has not been reported in the literature in individuals affected with SLC35C1-related conditions. Algorithms developed to predict the effect of missense changes on protein structure and function are either unavailable or do not agree on the potential impact of this missense change (SIFT: "Deleterious"; PolyPhen-2: "Benign"; Align-GVGD: "Class C0"). In summary, the available evidence is currently insufficient to determine the role of this variant in disease. Therefore, it has been classified as a Variant of Uncertain Significance.